The following is an entry in ClinVar:

ClinVar aggregate classification (germline): Uncertain significance (1 of 4 stars; one submission).

gnomAD v4.1: 6 of 1,613,154 alleles (0.00037%); highest among the groups gnomAD compares: African/African-American, 0.0067%; no homozygotes.

Submission:

GeneDx
Classification: Uncertain significance. Last evaluated: 2024-02-26. Review status: criteria provided, single submitter. Criteria: GeneDx Variant Classification Process June 2021. Collection method: clinical testing. Allele origin: germline. Affected: yes.
Comment: Not observed at significant frequency in large population cohorts (gnomAD); In silico analysis supports that this missense variant has a deleterious effect on protein structure/function; Has not been previously published as pathogenic or benign to our knowledge

NM_020937.4(FANCM):c.652A>G (p.Lys218Glu)

Gene: FANCM (FA complementation group M; plus strand). Cytogenetic location: 14q21.2.
Variant type: single nucleotide variant.
Coding change: c.652A>G on transcript NM_020937.4 (MANE Select); coding-DNA position 652, A replaced by G.
Protein change: p.Lys218Glu; replaces lysine 218 with glutamic acid.
Molecular consequence: missense variant.
Genome position (GRCh38, 1-based): chr14:45,137,212, A>G. VCF-style: chr14-45137212-A-G. GRCh37 (hg19) VCF-style: chr14-45606415-A-G.
Other names: c.652A>G, p.Lys218Glu (NM_001308133.2, NM_001308134.2); short protein forms K218E.
Identifiers: ClinVar variation 3369471 (VCV003369471.1).